The following is an entry in ClinVar:

NM_005560.6(LAMA5):c.152A>G (p.Asn51Ser)

Genes: LAMA5 (laminin subunit alpha 5; minus strand), LOC130066305 (ATAC-STARR-seq lymphoblastoid silent region 13109; plus strand). Cytogenetic location: 20q13.33.
Variant type: single nucleotide variant.
Coding change: c.152A>G on transcript NM_005560.6 (MANE Select); coding-DNA position 152, A replaced by G.
Protein change: p.Asn51Ser; replaces asparagine 51 with serine.
Molecular consequence: missense variant.
Genome position (GRCh38, 1-based): chr20:62,367,094, T>C on the plus strand (A>G on the coding strand, the complement: LAMA5 is on the minus strand). VCF-style: chr20-62367094-T-C. GRCh37 (hg19) VCF-style: chr20-60942150-T-C.
Other names: short protein forms N51S.
Identifiers: ClinVar variation 1339241 (VCV001339241.2), dbSNP rs549102085, ClinGen allele CA317222006.

ClinVar aggregate classification (germline): Uncertain significance (1 of 4 stars; one submission).

Conditions:
Presynaptic congenital myasthenic syndrome. Also called: Presynaptic congenital myasthenic syndromes. Identifiers: Orphanet 98914, MedGen C0751884, MONDO:0700466, MONDO:0020345.

Allele frequency attached by ClinVar (database versions not stated): gnomAD exomes below 0.00001; TOPMed below 0.00001.
gnomAD v4.1: 2 of 1,278,088 alleles (0.00016%); highest among the groups gnomAD compares: Non-Finnish European, 0.0002%; no homozygotes.

Submission:

Neuberg Centre For Genomic Medicine, NCGM
Classification: Uncertain significance for presynaptic congenital myasthenic syndrome. Review status: criteria provided, single submitter. Criteria: ACMG Guidelines, 2015. Collection method: clinical testing. Allele origin: germline. Affected: yes.
Comment: The missense variant p.N51S in LAMA5 (NM_005560.6) has not been reported previously as a pathogenic variant nor as a benign variant, to our knowledge. The p.N51S variant is novel (not in any individuals) in gnomAD Exomes and is novel (not in any individuals) in 1000 Genomes. There is a small physicochemical difference between asparagine and serine, which is not likely to impact secondary protein structure as these residues share similar properties. The p.N51S missense variant is predicted to be damaging by both SIFT and PolyPhen2. The nucleotide c.152 in LAMA5 is predicted conserved by GERP++ and PhyloP across 100 vertebrates. For these reasons, this variant has been classified as Uncertain Significance.